The following is an entry in ClinVar:

ClinVar aggregate classification (germline): Conflicting classifications of pathogenicity. Review status: criteria provided, conflicting classifications (1 of 4 stars). 7 submissions from 7 submitters: Likely pathogenic (1); Uncertain significance (6). Last evaluated 2025-07-18.

Conditions:
Macrothrombocytopenia. Identifiers: MedGen C2751260, HP:0040185.
Macrothrombocytopenia, isolated, 1, autosomal dominant (MACTHC1). Also called: Autosomal dominant macrothrombocytopenia TUBB1-related. Identifiers: Orphanet 140957, MedGen C5676892, MONDO:0800047, OMIM 613112.
TUBB1-related disorder. Also called: TUBB1-related condition.

Allele frequency attached by ClinVar (database versions not stated): gnomAD 0.00002; TOPMed 0.00002; ExAC 0.00003; gnomAD exomes 0.00004 and 0.00006; ESP Exome Variant Server 0.00008.
gnomAD v4.1: 88 of 1,614,006 alleles (0.0055%); highest among the groups gnomAD compares: Non-Finnish European, 0.0067%; no homozygotes.

Submissions (7):

PreventionGenetics, part of Exact Sciences
Classification: Uncertain significance for TUBB1-related condition. Last evaluated: 2025-07-18. Review status: criteria provided, single submitter. Criteria: ACMG Guidelines, 2015. Collection method: clinical testing. Allele origin: germline.
Comment: The TUBB1 c.436G>A variant is predicted to result in the amino acid substitution p.Gly146Arg. This variant has been reported in at least two individuals with macrothrombocytopaenia (Guillet et al. 2019. PubMed ID: 31565851; Çalışkaner et al. 2021. PubMed ID: 32892537). This variant has also been reported in an individual with a mild-moderate bleeding disorder (Table S3, Downes et al. 2019. PubMed ID: 31064749). It is reported in 12 alleles out of 282778 alleles in gnomAD. This variant has conflicting classifications listed in ClinVar ranging from uncertain to likely pathogenic (ClinVar ID: 627071). At this time, the clinical significance of this variant is uncertain due to the absence of conclusive functional and genetic evidence.

Center for Genomic Medicine, Rigshospitalet, Copenhagen University Hospital
Classification: Uncertain significance. Last evaluated: 2025-03-04. Review status: criteria provided, single submitter. Criteria: ACMG Guidelines, 2015. Collection method: clinical testing. Allele origin: germline.

Blueprint Genetics
Classification: Uncertain significance. Last evaluated: 2024-06-17. Review status: criteria provided, single submitter. Criteria: ACMG Guidelines, 2015. Collection method: clinical testing. Allele origin: germline.

GeneDx
Classification: Uncertain significance. Last evaluated: 2024-03-04. Review status: criteria provided, single submitter. Criteria: GeneDx Variant Classification Process June 2021. Collection method: clinical testing. Allele origin: germline. Affected: yes.
Comment: In silico analysis supports that this missense variant has a deleterious effect on protein structure/function; This variant is associated with the following publications: (PMID: 34662886, 26149024, 34267570, 34704371, 31064749, 31565851, 32892537)

Labcorp Genetics (formerly Invitae), Labcorp
Classification: Uncertain significance. Last evaluated: 2023-06-09. Review status: criteria provided, single submitter. Criteria: Invitae Variant Classification Sherloc (09022015). Collection method: clinical testing. Allele origin: germline.
Comment: In summary, the available evidence is currently insufficient to determine the role of this variant in disease. Therefore, it has been classified as a Variant of Uncertain Significance. Advanced modeling of protein sequence and biophysical properties (such as structural, functional, and spatial information, amino acid conservation, physicochemical variation, residue mobility, and thermodynamic stability) performed at Invitae indicates that this missense variant is expected to disrupt TUBB1 protein function. ClinVar contains an entry for this variant (Variation ID: 627071). This missense change has been observed in individual(s) with clinical features of TUBB1-related conditions (PMID: 31064749, 32892537). This variant is present in population databases (rs371852125, gnomAD 0.006%). This sequence change replaces glycine, which is neutral and non-polar, with arginine, which is basic and polar, at codon 146 of the TUBB1 protein (p.Gly146Arg).

NIHR Bioresource Rare Diseases, University of Cambridge
Classification: Uncertain significance for Macrothrombocytopenia. Last evaluated: 2019-02-01. Review status: criteria provided, single submitter. Criteria: ACMG Guidelines, 2015. Collection method: research. Allele origin: unknown. Affected: yes. Observed: 1 heterozygote. Study: ThromboGenomics.

ISTH-SSC Genomics in Thrombosis and Hemostasis, KU Leuven, Center for Molecular and Vascular Biology
Classification: Likely pathogenic for Macrothrombocytopenia, isolated, 1, autosomal dominant. Review status: criteria provided, single submitter. Criteria: ACMG Guidelines, 2015. Collection method: clinical testing. Allele origin: germline. Affected: yes. Observed: 1 heterozygote.
Comment: Submitted to GoldVariant by Jose María Bastida and José Rivera; Grupo Español de Alteraciones Plaquetarias Congénitas (GEAPC)

Literature cited by the submitters: PubMed 31565851 (cited by Center for Genomic Medicine, Rigshospitalet, Copenhagen University Hospital and ISTH-SSC Genomics in Thrombosis and Hemostasis, KU Leuven, Center for Molecular and Vascular Biology); PubMed 31064749 (cited by Labcorp Genetics (formerly Invitae), Labcorp and NIHR Bioresource Rare Diseases, University of Cambridge); PubMed 32892537 (cited by Labcorp Genetics (formerly Invitae), Labcorp).

NM_030773.4(TUBB1):c.436G>A (p.Gly146Arg)

Gene: TUBB1 (tubulin beta 1 class VI; plus strand). Cytogenetic location: 20q13.32.
Variant type: single nucleotide variant.
Coding change: c.436G>A on transcript NM_030773.4 (MANE Select); coding-DNA position 436, G replaced by A.
Protein change: p.Gly146Arg; replaces glycine 146 with arginine.
Molecular consequence: missense variant.
Genome position (GRCh38, 1-based): chr20:59,023,863, G>A. VCF-style: chr20-59023863-G-A. GRCh37 (hg19) VCF-style: chr20-57598918-G-A.
Other names: short protein forms G146R.
Identifiers: ClinVar variation 627071 (VCV000627071.10), dbSNP rs371852125, ClinGen allele CA9928509.
Genomic context (GRCh38, chr20:59,023,863, plus strand): 5'-AGCTGTGACTGCCTGCAGGGCTTCCAGATCGTCCACTCCCTGGGCGGGGGCACAGGCTCC[G>A]GGATGGGCACTCTGCTCATGAACAAGATTAGAGAGGAGTACCCGGACCGGATCATGAATT-3'
Protein context (NP_110400.1, residues 136-156): VHSLGGGTGS[Gly146Arg]MGTLLMNKIR